The following is an entry in ClinVar:

ClinVar aggregate classification (germline): Pathogenic (1 of 4 stars; one submission).

Submission:

Labcorp Genetics (formerly Invitae), Labcorp
Classification: Pathogenic. Last evaluated: 2020-07-28. Review status: criteria provided, single submitter. Criteria: Invitae Variant Classification Sherloc (09022015). Collection method: clinical testing. Allele origin: germline.
Comment: For these reasons, this variant has been classified as Pathogenic. Loss-of-function variants in HBB are known to be pathogenic (PMID: 23637309). This variant has not been reported in the literature in individuals with HBB-related conditions. This variant is not present in population databases (ExAC no frequency). This sequence change creates a premature translational stop signal (p.Lys66*) in the HBB gene. It is expected to result in an absent or disrupted protein product.

Literature cited by the submitters: PubMed 23637309.

NM_000518.5(HBB):c.196A>T (p.Lys66Ter)

Genes: HBB (hemoglobin subunit beta; minus strand), LOC106099062 (HBB recombination region; plus strand), LOC107133510 (origin of replication at HBB; plus strand). Cytogenetic location: 11p15.4.
Variant type: single nucleotide variant.
Coding change: c.196A>T on transcript NM_000518.5 (MANE Select); coding-DNA position 196, A replaced by T.
Protein change: p.Lys66Ter; replaces lysine 66 with a stop codon.
Molecular consequence: nonsense.
Genome position (GRCh38, 1-based): chr11:5,226,696, T>A on the plus strand (A>T on the coding strand, the complement: HBB is on the minus strand). VCF-style: chr11-5226696-T-A. GRCh37 (hg19) VCF-style: chr11-5247926-T-A.
Other names: short protein forms K66*.
Identifiers: ClinVar variation 1074874 (VCV001074874.7), dbSNP rs35353749, ClinGen allele CA379273878.